The following is an entry in ClinVar:

ClinVar aggregate classification (germline): Uncertain significance (1 of 4 stars; one submission).

Submission:

Labcorp Genetics (formerly Invitae), Labcorp
Classification: Uncertain significance. Last evaluated: 2023-11-20. Review status: criteria provided, single submitter. Criteria: Invitae Variant Classification Sherloc (09022015). Collection method: clinical testing. Allele origin: germline.
Comment: This sequence change replaces serine, which is neutral and polar, with cysteine, which is neutral and slightly polar, at codon 280 of the SERPING1 protein (p.Ser280Cys). This variant is not present in population databases (gnomAD no frequency). This variant has not been reported in the literature in individuals affected with SERPING1-related conditions. Advanced modeling of protein sequence and biophysical properties (such as structural, functional, and spatial information, amino acid conservation, physicochemical variation, residue mobility, and thermodynamic stability) has been performed at Invitae for this missense variant, however the output from this modeling did not meet the statistical confidence thresholds required to predict the impact of this variant on SERPING1 protein function. In summary, the available evidence is currently insufficient to determine the role of this variant in disease. Therefore, it has been classified as a Variant of Uncertain Significance.

NM_000062.3(SERPING1):c.838A>T (p.Ser280Cys)

Gene: SERPING1 (serpin family G member 1; plus strand). Cytogenetic location: 11q12.1.
Variant type: single nucleotide variant.
Coding change: c.838A>T on transcript NM_000062.3 (MANE Select); coding-DNA position 838, A replaced by T.
Protein change: p.Ser280Cys; replaces serine 280 with cysteine.
Molecular consequence: missense variant.
Genome position (GRCh38, 1-based): chr11:57,606,162, A>T. VCF-style: chr11-57606162-A-T. GRCh37 (hg19) VCF-style: chr11-57373635-A-T.
Other names: c.838A>T, p.Ser280Cys (NM_001032295.2); short protein forms S280C.
Identifiers: ClinVar variation 2697772 (VCV002697772.3), dbSNP rs1463913215, ClinGen allele CA380699549.